The following is an entry in ClinVar:

ClinVar aggregate classification (germline): Uncertain significance (1 of 4 stars; one submission).

Conditions:
Arrhythmogenic cardiomyopathy with wooly hair and keratoderma. Also called: Arrhythmogenic cardiomyopathy with woolly hair and keratoderma; PALMOPLANTAR KERATODERMA WITH LEFT VENTRICULAR CARDIOMYOPATHY AND WOOLLY HAIR; Carvajal syndrome; Dilated cardiomyopathy with woolly hair and keratoderma. Identifiers: Orphanet 65282, MedGen C1854063, MONDO:0011581, OMIM 605676.
Arrhythmogenic right ventricular dysplasia 8 (ARVD8). Also called: Arrhythmogenic Right Ventricular Dysplasia/Cardiomyopathy 8; ARRHYTHMOGENIC RIGHT VENTRICULAR DYSPLASIA, FAMILIAL, 8; ARRHYTHMOGENIC RIGHT VENTRICULAR CARDIOMYOPATHY 8. Identifiers: MedGen C1843896, MONDO:0011831, OMIM 607450.

Submission:

Labcorp Genetics (formerly Invitae), Labcorp
Classification: Uncertain significance for Arrhythmogenic cardiomyopathy with wooly hair and keratoderma; Arrhythmogenic right ventricular dysplasia 8. Last evaluated: 2022-12-23. Review status: criteria provided, single submitter. Criteria: Invitae Variant Classification Sherloc (09022015). Collection method: clinical testing. Allele origin: germline.
Comment: This sequence change replaces asparagine, which is neutral and polar, with isoleucine, which is neutral and non-polar, at codon 2234 of the DSP protein (p.Asn2234Ile). This variant is not present in population databases (gnomAD no frequency). This variant has not been reported in the literature in individuals affected with DSP-related conditions. Algorithms developed to predict the effect of missense changes on protein structure and function are either unavailable or do not agree on the potential impact of this missense change (SIFT: "Deleterious"; PolyPhen-2: "Benign"; Align-GVGD: "Class C55"). In summary, the available evidence is currently insufficient to determine the role of this variant in disease. Therefore, it has been classified as a Variant of Uncertain Significance.

NM_004415.4(DSP):c.6701A>T (p.Asn2234Ile)

Gene: DSP (desmoplakin; plus strand). Cytogenetic location: 6p24.3.
Variant type: single nucleotide variant.
Coding change: c.6701A>T on transcript NM_004415.4 (MANE Select); coding-DNA position 6701, A replaced by T.
Protein change: p.Asn2234Ile; replaces asparagine 2234 with isoleucine.
Molecular consequence: missense variant.
Genome position (GRCh38, 1-based): chr6:7,583,963, A>T. VCF-style: chr6-7583963-A-T. GRCh37 (hg19) VCF-style: chr6-7584196-A-T.
Other names: c.4904A>T, p.Asn1635Ile (NM_001008844.3); c.5372A>T, p.Asn1791Ile (NM_001319034.2); short protein forms N1791I, N1635I, N2234I.
Identifiers: ClinVar variation 2941975 (VCV002941975.3), dbSNP rs1236984671, ClinGen allele CA362691358.